The following is an entry in ClinVar:

ClinVar aggregate classification (germline): Uncertain significance (1 of 4 stars; one submission).

Allele frequency attached by ClinVar (database versions not stated): TOPMed below 0.00001; ExAC 0.00001; gnomAD exomes 0.00001.
gnomAD v4.1: 1 of 1,208,296 alleles (0.000083%); no homozygotes.

Submission:

GeneDx
Classification: Uncertain significance. Last evaluated: 2020-07-17. Review status: criteria provided, single submitter. Criteria: GeneDx Variant Classification Process June 2021. Collection method: clinical testing. Allele origin: germline. Affected: yes.
Comment: Not observed at a significant frequency in large population cohorts (Lek et al., 2016); In silico analysis supports that this missense variant does not alter protein structure/function; Has not been previously published as pathogenic or benign to our knowledge

NM_000132.4(F8):c.3603A>T (p.Leu1201Phe)

Gene: F8 (coagulation factor VIII; minus strand). Cytogenetic location: Xq28.
Variant type: single nucleotide variant.
Coding change: c.3603A>T on transcript NM_000132.4 (MANE Select); coding-DNA position 3603, A replaced by T.
Protein change: p.Leu1201Phe; replaces leucine 1201 with phenylalanine.
Molecular consequence: missense variant.
Genome position (GRCh38, 1-based): chrX:154,930,187, T>A on the plus strand (A>T on the coding strand, the complement: F8 is on the minus strand). VCF-style: chrX-154930187-T-A. GRCh37 (hg19) VCF-style: chrX-154158462-T-A.
Other names: short protein forms L1201F.
Identifiers: ClinVar variation 1313039 (VCV001313039.2), dbSNP rs782048928, ClinGen allele CA10568194.